The following is an entry in ClinVar:

ClinVar aggregate classification (germline): Uncertain significance. Review status: criteria provided, single submitter (1 of 4 stars). 2 submissions from 2 submitters: Uncertain significance (1). 1 of the submissions does not count toward it. Last evaluated 2025-06-10.

Conditions:
PCNT-related disorder. Also called: PCNT-related condition.
Inborn genetic diseases. Identifiers: MedGen C0950123, MeSH D030342.

Submissions (2):

Ambry Genetics
Classification: Uncertain significance for Inborn genetic diseases. Last evaluated: 2025-06-10. Review status: criteria provided, single submitter. Criteria: Ambry Variant Classification Scheme 2023. Collection method: clinical testing. Allele origin: germline.

PreventionGenetics, part of Exact Sciences
Classification: Uncertain significance for PCNT-related condition. Last evaluated: 2024-05-14. Review status: no assertion criteria provided. Collection method: clinical testing. Allele origin: germline. Not counted in ClinVar's aggregate classification.
Comment: The PCNT c.4696C>T variant is predicted to result in the amino acid substitution p.Arg1566Cys. To our knowledge, this variant has not been reported in the literature. This variant is reported in 0.011% of alleles in individuals of East Asian descent in gnomAD. At this time, the clinical significance of this variant is uncertain due to the absence of conclusive functional and genetic evidence.

NM_006031.6(PCNT):c.4696C>T (p.Arg1566Cys)

Gene: PCNT (pericentrin; plus strand). Cytogenetic location: 21q22.3.
Variant type: single nucleotide variant.
Coding change: c.4696C>T on transcript NM_006031.6 (MANE Select); coding-DNA position 4696, C replaced by T.
Protein change: p.Arg1566Cys; replaces arginine 1566 with cysteine.
Molecular consequence: missense variant.
Genome position (GRCh38, 1-based): chr21:46,399,701, C>T. VCF-style: chr21-46399701-C-T. GRCh37 (hg19) VCF-style: chr21-47819615-C-T.
Other names: c.4342C>T, p.Arg1448Cys (NM_001315529.2); short protein forms R1448C, R1566C.
Identifiers: ClinVar variation 3355298 (VCV003355298.2).